The following is an entry in ClinVar:

NM_001365951.3(KIF1B):c.1038-5T>A

Gene: KIF1B (kinesin family member 1B; plus strand). Cytogenetic location: 1p36.22.
Variant type: single nucleotide variant.
Coding change: c.1038-5T>A on transcript NM_001365951.3 (MANE Select); 5 bases into the intron before coding-DNA position 1038, T replaced by A.
Molecular consequence: intron variant.
Genome position (GRCh38, 1-based): chr1:10,277,981, T>A. VCF-style: chr1-10277981-T-A. GRCh37 (hg19) VCF-style: chr1-10338039-T-A.
Other names: c.1020-5T>A (NM_183416.4, NM_015074.3, NM_001365953.1); c.1038-5T>A (NM_001365952.1).
Identifiers: ClinVar variation 4858887 (VCV004858887.1).

ClinVar aggregate classification (germline): Uncertain significance (1 of 4 stars; one submission).

Submission:

Ambry Genetics
Classification: Uncertain significance. Last evaluated: 2026-06-12. Review status: criteria provided, single submitter. Criteria: Ambry Variant Classification Scheme 2023. Collection method: clinical testing. Allele origin: germline.
Comment: The c.1020-5T>A intronic variant results from a T to A substitution 5 nucleotides upstream from coding exon 11 in the KIF1B gene. This nucleotide position is well conserved in available vertebrate species. In silico splice site analysis predicts that this alteration will not have any significant effect on splicing. The evidence for this gene-disease relationship is limited; therefore, the clinical significance of this variant is unclear.